The following is an entry in ClinVar:

NM_033409.4(SLC52A3):c.639C>G (p.Tyr213Ter)

Gene: SLC52A3 (solute carrier family 52 member 3; minus strand). Cytogenetic location: 20p13.
Variant type: single nucleotide variant.
Coding change: c.639C>G on transcript NM_033409.4 (MANE Select); coding-DNA position 639, C replaced by G.
Protein change: p.Tyr213Ter; replaces tyrosine 213 with a stop codon.
Molecular consequence: nonsense.
Genome position (GRCh38, 1-based): chr20:763,932, G>C on the plus strand (C>G on the coding strand, the complement: SLC52A3 is on the minus strand). VCF-style: chr20-763932-G-C. GRCh37 (hg19) VCF-style: chr20-744576-G-C.
Other names: Tyr213X; p.Tyr213*; c.639C>G, p.Tyr213Ter (NM_001370085.1, NM_001370086.1); short protein forms Y213*.
Identifiers: ClinVar variation 210018 (VCV000210018.40), dbSNP rs778363575, ClinGen allele CA346979.

ClinVar aggregate classification (germline): Pathogenic. Review status: criteria provided, multiple submitters, no conflicts (2 of 4 stars). 10 submissions from 10 submitters: Pathogenic (8). 2 of the submissions do not count toward it. Last evaluated 2025-10-22.

Conditions:
SLC52A3-related disorder. Also called: SLC52A3-related condition.
Inborn genetic diseases. Identifiers: MedGen C0950123, MeSH D030342.
Progressive bulbar palsy of childhood. Also called: Childhood Progressive Bulbar Palsy; FAZIO-LONDE DISEASE. Identifiers: MedGen C0393540, MONDO:0100428, OMIM 211500.
Brown-Vialetto-van Laere syndrome 1. Also called: BROWN-VIALETTO-VAN LAERE SYNDROME 1, MILD; BULBAR PALSY, PROGRESSIVE, WITH SENSORINEURAL DEAFNESS; PONTOBULBAR PALSY WITH DEAFNESS. Identifiers: Orphanet 572550, Orphanet 97229, MedGen C0796274, MONDO:0024537, OMIM 211530.

Allele frequency attached by ClinVar (database versions not stated): TOPMed 0.00004.

Submissions (10):

GeneDx
Classification: Pathogenic. Last evaluated: 2025-10-22. Review status: criteria provided, single submitter. Criteria: GeneDx Variant Classification Process June 2021. Collection method: clinical testing. Allele origin: germline. Affected: yes.
Comment: Nonsense variant predicted to result in protein truncation or nonsense mediated decay in a gene for which loss of function is a known mechanism of disease; Not observed at significant frequency in large population cohorts (gnomAD); This variant is associated with the following publications: (PMID: 23688382, 31980526, 34490615, 32773395, 34662687, 31959559, 26444347, 29961494, 25462087, 21110228, 20920669, 22824638, 26072523, 20206331, 37116404, 38535124)

Labcorp Genetics (formerly Invitae), Labcorp
Classification: Pathogenic for Brown-Vialetto-van Laere syndrome 1. Last evaluated: 2025-10-09. Review status: criteria provided, single submitter. Criteria: Invitae Variant Classification Sherloc (09022015). Collection method: clinical testing. Allele origin: germline.
Comment: This sequence change creates a premature translational stop signal (p.Tyr213*) in the SLC52A3 gene. It is expected to result in an absent or disrupted protein product. Loss-of-function variants in SLC52A3 are known to be pathogenic (PMID: 20206331, 22824638, 25462087). This variant is present in population databases (rs778363575, gnomAD 0.008%). This premature translational stop signal has been observed in individuals with Brown-Vialetto-Van Laere syndrome (PMID: 20206331, 21110228, 23688382). ClinVar contains an entry for this variant (Variation ID: 210018). For these reasons, this variant has been classified as Pathogenic.

Dasa
Classification: Pathogenic. Last evaluated: 2024-12-29. Review status: criteria provided, single submitter. Criteria: DASA Assertion Criteria. Collection method: clinical testing. Allele origin: germline.
Comment: NM_033409.4(SLC52A3):c.639C>G (p.Tyr213*) introduces a premature stop codon predicted to result in nonsense-mediated mRNA decay. Loss-of-function is an established mechanism of disease for this gene. The variant has been reported in individuals with Brown-Vialetto–van Laere syndrome when present with another pathogenic variant (PMID: 20206331, 21110228, 23688382) and is present at low frequency in population datasets. Based on the available data, this variant is classified as pathogenic.

Blueprint Genetics
Classification: Pathogenic for SLC52A3-related disorders. Last evaluated: 2024-11-26. Review status: criteria provided, single submitter. Criteria: ACMG Guidelines, 2015. Collection method: clinical testing. Allele origin: germline. Affected: yes. Observed: 5 variant alleles.

CeGaT Center for Human Genetics Tuebingen
Classification: Pathogenic. Last evaluated: 2024-03-01. Review status: criteria provided, single submitter. Criteria: CeGaT Center For Human Genetics Tuebingen Variant Classification Criteria Version 2. Collection method: clinical testing. Allele origin: germline. Affected: yes. Observed: 1 variant allele.
Comment: SLC52A3: PVS1, PM2, PM3

Mayo Clinic Laboratories, Mayo Clinic
Classification: Pathogenic. Last evaluated: 2023-11-28. Review status: criteria provided, single submitter. Criteria: ACMG Guidelines, 2015. Collection method: clinical testing. Allele origin: germline. Observed: 1 variant allele.
Comment: PP1, PM2_moderate, PM3, PS3, PVS1

Mendelics
Classification: Pathogenic for Progressive bulbar palsy of childhood. Last evaluated: 2022-05-04. Review status: criteria provided, single submitter. Criteria: Mendelics Assertion Criteria 2019. Collection method: clinical testing. Allele origin: germline.

Ambry Genetics
Classification: Pathogenic for Inborn genetic diseases. Last evaluated: 2020-10-29. Review status: criteria provided, single submitter. Criteria: Ambry Variant Classification Scheme 2023. Collection method: clinical testing. Allele origin: germline.
Comment: The p.Y213* pathogenic mutation (also known as c.639C>G), located in coding exon 2 of the SLC52A3 gene, results from a C to G substitution at nucleotide position 639. This changes the amino acid from a tyrosine to a stop codon within coding exon 2. This alteration has been reported in the homozygous state and in the compound heterozygous state with other variants in SLC52A3 in multiple individuals with Brown-Vialetto-Van Laere syndrome (Bosch AM et al. J Inherit Metab Dis, 2011 Feb;34:159-64; Green P et al. Am J Hum Genet, 2010 Mar;86:485-9; Johnson JO et al. Am J Hum Genet, 2010 Oct;87:567-9; author reply 569-70; Malafronte P et al. Pediatr Dev Pathol May;16:364-71). In addition to the clinical data presented in the literature, this alteration is expected to result in loss of function by premature protein truncation or nonsense-mediated mRNA decay. As such, this alteration is interpreted as a disease-causing mutation.

OMIM
Classification: Pathogenic for BROWN-VIALETTO-VAN LAERE SYNDROME 1. Last evaluated: 2011-02-01. Review status: no assertion criteria provided. Collection method: literature only. Allele origin: germline. Not counted in ClinVar's aggregate classification.

GeneReviews
No classification provided. Condition: Brown-Vialetto-van Laere syndrome 1. Review status: no classification provided. Collection method: literature only. Allele origin: germline. Affected: yes. Not counted in ClinVar's aggregate classification.

Literature cited by the submitters: PubMed 20206331 (cited by 6 submitters); PubMed 22824638 (cited by Labcorp Genetics (formerly Invitae), Labcorp); PubMed 25462087 (cited by Labcorp Genetics (formerly Invitae), Labcorp); PubMed 21110228 (cited by 5 submitters); PubMed 23688382 (cited by 4 submitters); PubMed 29961494 (cited by Mayo Clinic Laboratories, Mayo Clinic); PubMed 20920669 (cited by Ambry Genetics); NCBI Bookshelf NBK299312 (cited by GeneReviews).